The following is an entry in ClinVar:

ClinVar aggregate classification (germline): Uncertain significance (1 of 4 stars; one submission).

Conditions:
Hereditary cancer-predisposing syndrome. Also called: Tumor predisposition; Hereditary Cancer Syndrome; Hereditary neoplastic syndrome; Neoplastic Syndromes, Hereditary. Identifiers: Orphanet 140162, MedGen C0027672, MeSH D009386, MONDO:0015356.

Submission:

Ambry Genetics
Classification: Uncertain significance for Hereditary cancer-predisposing syndrome. Last evaluated: 2024-03-27. Review status: criteria provided, single submitter. Criteria: Ambry Variant Classification Scheme 2023. Collection method: clinical testing. Allele origin: germline.
Comment: The p.G182V variant (also known as c.545G>T) is located in coding exon 6 of the MRE11A gene. The glycine at codon 182 is replaced by valine, an amino acid with dissimilar properties. This change occurs in the first base pair of coding exon 6. This amino acid position is conserved. In addition, this alteration is predicted to be deleterious by in silico analysis. Based on the available evidence, the clinical significance of this alteration remains unclear.

NM_005591.4(MRE11):c.545G>T (p.Gly182Val)

Gene: MRE11 (MRE11 double strand break repair nuclease; minus strand). Cytogenetic location: 11q21.
Variant type: single nucleotide variant.
Coding change: c.545G>T on transcript NM_005591.4 (MANE Select); coding-DNA position 545, G replaced by T.
Protein change: p.Gly182Val; replaces glycine 182 with valine.
Molecular consequence: missense variant.
Genome position (GRCh38, 1-based): chr11:94,476,403, C>A on the plus strand (G>T on the coding strand, the complement: MRE11 is on the minus strand). VCF-style: chr11-94476403-C-A. GRCh37 (hg19) VCF-style: chr11-94209569-C-A.
Other names: c.545G>T, p.Gly182Val (NM_001330347.2, NM_005590.4); short protein forms G182V.
Identifiers: ClinVar variation 3295814 (VCV003295814.1).